The following is an entry in ClinVar:

NM_000548.5(TSC2):c.5086G>A (p.Asp1696Asn)

Gene: TSC2 (TSC complex subunit 2; plus strand). Cytogenetic location: 16p13.3.
Variant type: single nucleotide variant.
Coding change: c.5086G>A on transcript NM_000548.5 (MANE Select); coding-DNA position 5086, G replaced by A.
Protein change: p.Asp1696Asn; replaces aspartic acid 1696 with asparagine.
Molecular consequence: missense variant.
Genome position (GRCh38, 1-based): chr16:2,088,065, G>A. VCF-style: chr16-2088065-G-A. GRCh37 (hg19) VCF-style: chr16-2138066-G-A.
Other names: c.4957G>A, p.Asp1653Asn (NM_001370405.1, NM_021055.3); c.4885G>A, p.Asp1629Asn (NM_001077183.3); c.5017G>A, p.Asp1673Asn (NM_001114382.3); c.4777G>A, p.Asp1593Asn (NM_001318827.2); c.4741G>A, p.Asp1581Asn (NM_001318829.2); c.4354G>A, p.Asp1452Asn (NM_001318831.2); c.4918G>A, p.Asp1640Asn (NM_001318832.2); c.4888G>A, p.Asp1630Asn (NM_001363528.2); and 1 more; short protein forms D1629N, D1630N, D1653N, D1452N, D1640N, D1581N, D1652N, D1673N.
Identifiers: ClinVar variation 970364 (VCV000970364.9), dbSNP rs1555440048, ClinGen allele CA394312046.

ClinVar aggregate classification (germline): Uncertain significance. Review status: criteria provided, multiple submitters, no conflicts (2 of 4 stars). 2 submissions from 2 submitters: Uncertain significance (2). Last evaluated 2024-02-12.

Conditions:
Hereditary cancer-predisposing syndrome. Also called: Hereditary neoplastic syndrome; Hereditary Cancer Syndrome; Tumor predisposition; Neoplastic Syndromes, Hereditary. Identifiers: Orphanet 140162, MedGen C0027672, MeSH D009386, MONDO:0015356.
Tuberous sclerosis 2 (TSC2). Identifiers: Orphanet 805, MedGen C1860707, MONDO:0013199, OMIM 613254.

gnomAD v4.1: 11 of 1,612,784 alleles (0.00068%); highest among the groups gnomAD compares: Non-Finnish European, 0.00093%; no homozygotes.

Submissions (2):

Ambry Genetics
Classification: Uncertain significance for Hereditary cancer-predisposing syndrome. Last evaluated: 2024-02-12. Review status: criteria provided, single submitter. Criteria: Ambry Variant Classification Scheme 2023. Collection method: clinical testing. Allele origin: germline.
Comment: The p.D1696N variant (also known as c.5086G>A), located in coding exon 39 of the TSC2 gene, results from a G to A substitution at nucleotide position 5086. The aspartic acid at codon 1696 is replaced by asparagine, an amino acid with highly similar properties. This amino acid position is conserved. In addition, the in silico prediction for this alteration is inconclusive. Based on the available evidence, the clinical significance of this alteration remains unclear.

Labcorp Genetics (formerly Invitae), Labcorp
Classification: Uncertain significance for Tuberous sclerosis 2. Last evaluated: 2023-10-08. Review status: criteria provided, single submitter. Criteria: Invitae Variant Classification Sherloc (09022015). Collection method: clinical testing. Allele origin: germline.
Comment: This sequence change replaces aspartic acid, which is acidic and polar, with asparagine, which is neutral and polar, at codon 1696 of the TSC2 protein (p.Asp1696Asn). This variant is not present in population databases (gnomAD no frequency). This variant has not been reported in the literature in individuals affected with TSC2-related conditions. ClinVar contains an entry for this variant (Variation ID: 970364). Advanced modeling of protein sequence and biophysical properties (such as structural, functional, and spatial information, amino acid conservation, physicochemical variation, residue mobility, and thermodynamic stability) performed at Invitae indicates that this missense variant is not expected to disrupt TSC2 protein function. In summary, the available evidence is currently insufficient to determine the role of this variant in disease. Therefore, it has been classified as a Variant of Uncertain Significance.